The following is an entry in ClinVar:

ClinVar aggregate classification (germline): Uncertain significance (1 of 4 stars; one submission).

Conditions:
Ulnar-mammary syndrome (UMS). Also called: SCHINZEL SYNDROME; PALLISTER ULNAR-MAMMARY SYNDROME; Ulnar-mammary syndrome of Pallister. Identifiers: Orphanet 3138, MedGen C1866994, MONDO:0008411, OMIM 181450.

Submission:

Labcorp Genetics (formerly Invitae), Labcorp
Classification: Uncertain significance for Ulnar-mammary syndrome. Last evaluated: 2024-09-06. Review status: criteria provided, single submitter. Criteria: Invitae Variant Classification Sherloc (09022015). Collection method: clinical testing. Allele origin: germline.
Comment: This sequence change replaces aspartic acid, which is acidic and polar, with tyrosine, which is neutral and polar, at codon 7 of the TBX3 protein (p.Asp7Tyr). This variant is not present in population databases (gnomAD no frequency). This variant has not been reported in the literature in individuals affected with TBX3-related conditions. An algorithm developed to predict the effect of missense changes on protein structure and function (PolyPhen-2) suggests that this variant is likely to be disruptive. In summary, the available evidence is currently insufficient to determine the role of this variant in disease. Therefore, it has been classified as a Variant of Uncertain Significance.

NM_005996.4(TBX3):c.19G>T (p.Asp7Tyr)

Genes: TBX3-AS1 (TBX3 antisense RNA 1; plus strand), TBX3 (T-box transcription factor 3; minus strand). Cytogenetic location: 12q24.21.
Variant type: single nucleotide variant.
Coding change: c.19G>T on transcript NM_005996.4 (MANE Select); coding-DNA position 19, G replaced by T.
Protein change: p.Asp7Tyr; replaces aspartic acid 7 with tyrosine.
Molecular consequence: missense variant.
Genome position (GRCh38, 1-based): chr12:114,683,182, C>A on the plus strand (G>T on the coding strand, the complement: TBX3 is on the minus strand). VCF-style: chr12-114683182-C-A. GRCh37 (hg19) VCF-style: chr12-115120987-C-A.
Other names: c.19G>T, p.Asp7Tyr (NM_016569.4); short protein forms D7Y.
Identifiers: ClinVar variation 3631340 (VCV003631340.2).